The following is an entry in ClinVar:

NM_005465.7(AKT3):c.284+211T>C

Gene: AKT3 (AKT serine/threonine kinase 3; minus strand). Cytogenetic location: 1q44.
Variant type: single nucleotide variant.
Coding change: c.284+211T>C on transcript NM_005465.7 (MANE Select); 211 bases into the intron after coding-DNA position 284, T replaced by C.
Molecular consequence: intron variant.
Genome position (GRCh38, 1-based): chr1:243,664,561, A>G on the plus strand (T>C on the coding strand, the complement: AKT3 is on the minus strand). VCF-style: chr1-243664561-A-G. GRCh37 (hg19) VCF-style: chr1-243827863-A-G.
Other names: c.284+211T>C (NM_181690.2, NM_001370074.1, NM_001206729.2).
Identifiers: ClinVar variation 677638 (VCV000677638.1), dbSNP rs114152031, ClinGen allele CA41036822.

ClinVar aggregate classification (germline): Likely benign (1 of 4 stars; one submission).

Allele frequency attached by ClinVar (database versions not stated): 1000 Genomes Project 30x 0.00874; 1000 Genomes Project 0.00938; TOPMed 0.01677; gnomAD 0.01762 and 0.01811.
gnomAD v4.1: 2,681 of 152,244 alleles (1.8%); highest among the groups gnomAD compares: Non-Finnish European, 2.8%; 43 homozygotes.

Submission:

GeneDx
Classification: Likely benign. Last evaluated: 2018-06-16. Review status: criteria provided, single submitter. Criteria: GeneDx Variant Classification (06012015). Collection method: clinical testing. Allele origin: germline. Affected: yes.
Comment: This variant is considered likely benign or benign based on one or more of the following criteria: it is a conservative change, it occurs at a poorly conserved position in the protein, it is predicted to be benign by multiple in silico algorithms, and/or has population frequency not consistent with disease.